The following is an entry in ClinVar:

ClinVar aggregate classification (germline): Benign/Likely benign. Review status: criteria provided, multiple submitters, no conflicts (2 of 4 stars). 8 submissions from 8 submitters: Benign (4); Likely benign (3). 1 of the submissions does not count toward it. Last evaluated 2026-02-04.

Conditions:
Nemaline myopathy 2 (NEM2). Also called: Nemaline myopathy 2, autosomal recessive. Identifiers: MedGen C1850569, MONDO:0009725, OMIM 256030.

Allele frequency attached by ClinVar (database versions not stated): gnomAD exomes 0.00076 and 0.00199; ExAC 0.00255; 1000 Genomes Project 30x 0.00750; 1000 Genomes Project 0.00779; gnomAD 0.00849 and 0.00920; TOPMed 0.00937; ESP Exome Variant Server 0.01033.
gnomAD v4.1: 2,393 of 1,613,816 alleles (0.15%); highest among the groups gnomAD compares: African/African-American, 3%; 46 homozygotes.

Submissions (8):

Labcorp Genetics (formerly Invitae), Labcorp
Classification: Benign for Nemaline myopathy 2. Last evaluated: 2026-02-04. Review status: criteria provided, single submitter. Criteria: Invitae Variant Classification Sherloc (09022015). Collection method: clinical testing. Allele origin: germline.

Mayo Clinic Laboratories, Mayo Clinic
Classification: Benign. Last evaluated: 2024-09-09. Review status: criteria provided, single submitter. Criteria: ACMG Guidelines, 2015. Collection method: clinical testing. Allele origin: germline. Observed: 4 variant alleles.

Illumina Laboratory Services, Illumina
Classification: Benign for Nemaline myopathy 2. Last evaluated: 2018-01-13. Review status: criteria provided, single submitter. Criteria: ICSL Variant Classification Criteria 13 December 2019. Collection method: clinical testing. Allele origin: germline.
Comment: This variant was observed in the ICSL laboratory as part of a predisposition screen in an ostensibly healthy population. It had not been previously curated by ICSL or reported in the Human Gene Mutation Database (HGMD: prior to June 1st, 2018), and was therefore a candidate for classification through an automated scoring system. Utilizing variant allele frequency, disease prevalence and penetrance estimates, and inheritance mode, an automated score was calculated to assess if this variant is too frequent to cause the disease. Based on the score and internal cut-off values, a variant classified as benign is not then subjected to further curation. The score for this variant resulted in a classification of benign for this disease.

Athena Diagnostics
Classification: Likely benign. Last evaluated: 2017-05-11. Review status: criteria provided, single submitter. Criteria: Athena Diagnostics Criteria. Collection method: clinical testing. Allele origin: germline.

GeneDx
Classification: Benign. Last evaluated: 2016-07-27. Review status: criteria provided, single submitter. Criteria: GeneDx Variant Classification (06012015). Collection method: clinical testing. Allele origin: germline. Affected: yes.
Comment: This variant is considered likely benign or benign based on one or more of the following criteria: it is a conservative change, it occurs at a poorly conserved position in the protein, it is predicted to be benign by multiple in silico algorithms, and/or has population frequency not consistent with disease.

Breakthrough Genomics
Classification: Likely benign. Review status: criteria provided, single submitter. Criteria: ACMG Guidelines, 2015. Collection method: not provided. Allele origin: germline. Inheritance: Autosomal recessive inheritance. Affected: yes.

PreventionGenetics, part of Exact Sciences
Classification: Likely benign. Review status: criteria provided, single submitter. Criteria: ACMG Guidelines, 2015. Collection method: clinical testing. Allele origin: germline.

Natera, Inc.
Classification: Benign for Nemaline myopathy type 2. Last evaluated: 2019-11-11. Review status: no assertion criteria provided. Collection method: clinical testing. Allele origin: germline. Not counted in ClinVar's aggregate classification.

NM_001164508.2(NEB):c.8335A>G (p.Ile2779Val)

Gene: NEB (nebulin; minus strand). Cytogenetic location: 2q23.3.
Variant type: single nucleotide variant.
Coding change: c.8335A>G on transcript NM_001164508.2 (MANE Select); coding-DNA position 8335, A replaced by G.
Protein change: p.Ile2779Val; replaces isoleucine 2779 with valine.
Molecular consequence: missense variant.
Genome position (GRCh38, 1-based): chr2:151,642,612, T>C on the plus strand (A>G on the coding strand, the complement: NEB is on the minus strand). VCF-style: chr2-151642612-T-C. GRCh37 (hg19) VCF-style: chr2-152499126-T-C.
Other names: c.8335A>G, p.Ile2779Val (NM_001164507.2, NM_001271208.2, NM_004543.5); short protein forms I2779V.
Identifiers: ClinVar variation 257833 (VCV000257833.22), dbSNP rs114853127, ClinGen allele CA1909624.